The following is an entry in ClinVar:

ClinVar aggregate classification (germline): Benign. Review status: criteria provided, multiple submitters, no conflicts (2 of 4 stars). 2 submissions from 2 submitters: Benign (2). Last evaluated 2018-01-12.

Conditions:
Cutis laxa with osteodystrophy (ARCL2A). Also called: Debré-Type Cutis Laxa; CUTIS LAXA WITH CONGENITAL DISORDER OF GLYCOSYLATION; CUTIS LAXA, AUTOSOMAL RECESSIVE, TYPE IIA; CUTIS LAXA WITH BONE DYSTROPHY; CUTIS LAXA WITH GROWTH AND DEVELOPMENTAL DELAY; CUTIS LAXA WITH JOINT LAXITY AND RETARDED DEVELOPMENT. Identifiers: Orphanet 357058, MedGen C0268355, MONDO:0018163, OMIM 219200. Disease mechanism: loss of function.

Allele frequency attached by ClinVar (database versions not stated): gnomAD 0.53892 and 0.52752; 1000 Genomes Project 30x 0.59681; gnomAD exomes 0.78571; 1000 Genomes Project 0.60663; TOPMed 0.52937.
gnomAD v4.1: 81,957 of 152,024 alleles (54%); highest among the groups gnomAD compares: East Asian, 94%; 24,058 homozygotes.

Submissions (2):

Illumina Laboratory Services, Illumina
Classification: Benign for Cutis laxa with osteodystrophy. Last evaluated: 2018-01-12. Review status: criteria provided, single submitter. Criteria: ICSL Variant Classification Criteria 13 December 2019. Collection method: clinical testing. Allele origin: germline.
Comment: This variant was observed in the ICSL laboratory as part of a predisposition screen in an ostensibly healthy population. It had not been previously curated by ICSL or reported in the Human Gene Mutation Database (HGMD: prior to June 1st, 2018), and was therefore a candidate for classification through an automated scoring system. Utilizing variant allele frequency, disease prevalence and penetrance estimates, and inheritance mode, an automated score was calculated to assess if this variant is too frequent to cause the disease. Based on the score and internal cut-off values, a variant classified as benign is not then subjected to further curation. The score for this variant resulted in a classification of benign for this disease.

Breakthrough Genomics
Classification: Benign. Review status: criteria provided, single submitter. Criteria: ACMG Guidelines, 2015. Collection method: not provided. Allele origin: germline. Inheritance: Autosomal recessive inheritance. Affected: yes.

NM_012463.4(ATP6V0A2):c.*3425G>A

Gene: ATP6V0A2 (ATPase H+ transporting V0 subunit a2; plus strand). Cytogenetic location: 12q24.31.
Variant type: single nucleotide variant.
Coding change: c.*3425G>A on transcript NM_012463.4 (MANE Select); 3425 bases downstream of the stop codon, G replaced by A.
Molecular consequence: 3 prime UTR variant.
Genome position (GRCh38, 1-based): chr12:123,761,457, G>A. VCF-style: chr12-123761457-G-A. GRCh37 (hg19) VCF-style: chr12-124246004-G-A.
Identifiers: ClinVar variation 307642 (VCV000307642.6), dbSNP rs2333834, ClinGen allele CA10632217.